The following is an entry in ClinVar:

ClinVar aggregate classification (germline): Likely benign (1 of 4 stars; one submission).

Allele frequency attached by ClinVar (database versions not stated): gnomAD 0.00047; 1000 Genomes Project 0.00200.
gnomAD v4.1: 689 of 1,526,346 alleles (0.045%); highest among the groups gnomAD compares: South Asian, 0.43%; 5 homozygotes.

Submission:

CeGaT Center for Human Genetics Tuebingen
Classification: Likely benign. Last evaluated: 2022-09-01. Review status: criteria provided, single submitter. Criteria: CeGaT Center For Human Genetics Tuebingen Variant Classification Criteria Version 2. Collection method: clinical testing. Allele origin: germline. Affected: yes. Observed: 2 variant alleles.
Comment: INCENP: BP4, BP7

NM_001040694.2(INCENP):c.2124G>C (p.Arg708=)

Gene: INCENP (inner centromere protein; plus strand). Cytogenetic location: 11q12.3.
Variant type: single nucleotide variant.
Coding change: c.2124G>C on transcript NM_001040694.2 (MANE Select); coding-DNA position 2124, G replaced by C.
Protein change: p.Arg708=; no amino-acid change (arginine 708 retained).
Molecular consequence: synonymous variant.
Genome position (GRCh38, 1-based): chr11:62,146,822, G>C. VCF-style: chr11-62146822-G-C. GRCh37 (hg19) VCF-style: chr11-61914294-G-C.
Other names: c.2112G>C, p.Arg704= (NM_020238.3).
Identifiers: ClinVar variation 2641844 (VCV002641844.24), dbSNP rs374721937, ClinGen allele CA6042198.